The following is an entry in ClinVar:

ClinVar aggregate classification (germline): Uncertain significance. Review status: criteria provided, multiple submitters, no conflicts (2 of 4 stars). 2 submissions from 2 submitters: Uncertain significance (2). Last evaluated 2026-06-16.

Conditions:
Hereditary cancer-predisposing syndrome. Also called: Tumor predisposition; Hereditary Cancer Syndrome; Hereditary neoplastic syndrome; Neoplastic Syndromes, Hereditary. Identifiers: Orphanet 140162, MedGen C0027672, MeSH D009386, MONDO:0015356.

Submissions (2):

Ambry Genetics
Classification: Uncertain significance for Hereditary cancer-predisposing syndrome. Last evaluated: 2026-06-16. Review status: criteria provided, single submitter. Criteria: Ambry Variant Classification Scheme 2023. Collection method: clinical testing. Allele origin: germline.
Comment: The p.P230Q variant (also known as c.689C>A), located in coding exon 6 of the SMARCB1 gene, results from a C to A substitution at nucleotide position 689. The proline at codon 230 is replaced by glutamine, an amino acid with similar properties. This amino acid position is highly conserved in available vertebrate species. In addition, the in silico prediction for this alteration is inconclusive. Based on the available evidence, the clinical significance of this variant remains unclear.

Labcorp Genetics (formerly Invitae), Labcorp
Classification: Uncertain significance. Last evaluated: 2022-01-17. Review status: criteria provided, single submitter. Criteria: Invitae Variant Classification Sherloc (09022015). Collection method: clinical testing. Allele origin: germline.
Comment: In summary, the available evidence is currently insufficient to determine the role of this variant in disease. Therefore, it has been classified as a Variant of Uncertain Significance. Algorithms developed to predict the effect of sequence changes on RNA splicing suggest that this variant may create or strengthen a splice site. Algorithms developed to predict the effect of missense changes on protein structure and function are either unavailable or do not agree on the potential impact of this missense change (SIFT: "Tolerated"; PolyPhen-2: "Possibly Damaging"; Align-GVGD: "Class C0"). This variant has not been reported in the literature in individuals affected with SMARCB1-related conditions. This variant is not present in population databases (gnomAD no frequency). This sequence change replaces proline, which is neutral and non-polar, with glutamine, which is neutral and polar, at codon 230 of the SMARCB1 protein (p.Pro230Gln).

NM_003073.5(SMARCB1):c.689C>A (p.Pro230Gln)

Gene: SMARCB1 (SWI/SNF related BAF chromatin remodeling complex subunit B1; plus strand). Cytogenetic location: 22q11.23.
Variant type: single nucleotide variant.
Coding change: c.689C>A on transcript NM_003073.5 (MANE Select); coding-DNA position 689, C replaced by A.
Protein change: p.Pro230Gln; replaces proline 230 with glutamine.
Molecular consequence: missense variant.
Genome position (GRCh38, 1-based): chr22:23,816,830, C>A. VCF-style: chr22-23816830-C-A. GRCh37 (hg19) VCF-style: chr22-24159017-C-A.
Other names: c.662C>A, p.Pro221Gln (NM_001007468.3); c.716C>A, p.Pro239Gln (NM_001317946.2); c.743C>A, p.Pro248Gln (NM_001362877.2); short protein forms P221Q, P230Q, P239Q, P248Q.
Identifiers: ClinVar variation 2157332 (VCV002157332.5), dbSNP rs2146009762, ClinGen allele CA410901355.